The following is an entry in ClinVar:

ClinVar aggregate classification (germline): Uncertain significance. Review status: criteria provided, multiple submitters, no conflicts (2 of 4 stars). 4 submissions from 4 submitters: Uncertain significance (3). 1 of the submissions does not count toward it. Last evaluated 2025-11-02.

Conditions:
Inborn genetic diseases. Identifiers: MedGen C0950123, MeSH D030342.
Retinitis pigmentosa 25 (RP25). Identifiers: Orphanet 791, MedGen C1864446, MONDO:0011272, OMIM 602772.

Allele frequency attached by ClinVar (database versions not stated): gnomAD exomes 0.00002 and 0.00007; gnomAD 0.00014; TOPMed 0.00014; ExAC 0.00016; 1000 Genomes Project 30x 0.00047; 1000 Genomes Project 0.00060.
gnomAD v4.1: 45 of 1,539,640 alleles (0.0029%); highest among the groups gnomAD compares: African/African-American, 0.059%; no homozygotes.

Submissions (4):

Ambry Genetics
Classification: Uncertain significance for Inborn genetic diseases. Last evaluated: 2025-11-02. Review status: criteria provided, single submitter. Criteria: Ambry Variant Classification Scheme 2023. Collection method: clinical testing. Allele origin: germline.

Labcorp Genetics (formerly Invitae), Labcorp
Classification: Uncertain significance. Last evaluated: 2024-11-04. Review status: criteria provided, single submitter. Criteria: Invitae Variant Classification Sherloc (09022015). Collection method: clinical testing. Allele origin: germline.
Comment: This sequence change replaces phenylalanine, which is neutral and non-polar, with leucine, which is neutral and non-polar, at codon 2146 of the EYS protein (p.Phe2146Leu). This variant is present in population databases (rs545408886, gnomAD 0.09%). This variant has not been reported in the literature in individuals affected with EYS-related conditions. ClinVar contains an entry for this variant (Variation ID: 837615). Invitae Evidence Modeling of protein sequence and biophysical properties (such as structural, functional, and spatial information, amino acid conservation, physicochemical variation, residue mobility, and thermodynamic stability) indicates that this missense variant is not expected to disrupt EYS protein function with a negative predictive value of 80%. In summary, the available evidence is currently insufficient to determine the role of this variant in disease. Therefore, it has been classified as a Variant of Uncertain Significance.

Blueprint Genetics
Classification: Uncertain significance. Last evaluated: 2022-01-05. Review status: criteria provided, single submitter. Criteria: ACMG Guidelines, 2015. Collection method: clinical testing. Allele origin: germline.

Natera, Inc.
Classification: Uncertain significance for Retinitis pigmentosa type 25. Last evaluated: 2020-07-22. Review status: no assertion criteria provided. Collection method: clinical testing. Allele origin: germline. Not counted in ClinVar's aggregate classification.

NM_001142800.2(EYS):c.6436T>C (p.Phe2146Leu)

Gene: EYS (EGF-like photoreceptor maintenance factor; minus strand). Cytogenetic location: 6q12.
Variant type: single nucleotide variant.
Coding change: c.6436T>C on transcript NM_001142800.2 (MANE Select); coding-DNA position 6436, T replaced by C.
Protein change: p.Phe2146Leu; replaces phenylalanine 2146 with leucine.
Molecular consequence: missense variant.
Genome position (GRCh38, 1-based): chr6:64,081,991, A>G on the plus strand (T>C on the coding strand, the complement: EYS is on the minus strand). VCF-style: chr6-64081991-A-G. GRCh37 (hg19) VCF-style: chr6-64791884-A-G.
Other names: c.6436T>C, p.Phe2146Leu (NM_001292009.2); short protein forms F2146L.
Identifiers: ClinVar variation 837615 (VCV000837615.7), dbSNP rs545408886, ClinGen allele CA3876916.